The following is an entry in ClinVar:

ClinVar aggregate classification (germline): Uncertain significance (1 of 4 stars; one submission).

Conditions:
Marfan syndrome (MFS). Also called: MARFAN SYNDROME, TYPE I; Marfan syndrome type 1; Marfan's syndrome; FBN1-Related Marfan Syndrome; Marfan syndrome, classic. Identifiers: Orphanet 284963, Orphanet 558, MedGen C0024796, MONDO:0007947, OMIM 154700.

Submission:

All of Us Research Program, National Institutes of Health
Classification: Uncertain significance for Marfan syndrome. Last evaluated: 2024-03-05. Review status: criteria provided, single submitter. Criteria: ACMG Guidelines, 2015. Collection method: clinical testing. Allele origin: germline. Inheritance: Autosomal dominant inheritance. Observed: 1 variant allele, 1 heterozygote.
Comment: This study involves interpretation of variants in research participants for the purpose of population health screening. Participant phenotype was not available at the time of variant classification. Additional details can be found in publication PMID: 35346344, PMCID: PMC8962531

NM_000138.5(FBN1):c.8002G>A (p.Gly2668Ser)

Gene: FBN1 (fibrillin 1; minus strand). Cytogenetic location: 15q21.1.
Variant type: single nucleotide variant.
Coding change: c.8002G>A on transcript NM_000138.5 (MANE Select); coding-DNA position 8002, G replaced by A.
Protein change: p.Gly2668Ser; replaces glycine 2668 with serine.
Molecular consequence: missense variant.
Genome position (GRCh38, 1-based): chr15:48,415,585, C>T on the plus strand (G>A on the coding strand, the complement: FBN1 is on the minus strand). VCF-style: chr15-48415585-C-T. GRCh37 (hg19) VCF-style: chr15-48707782-C-T.
Other names: c.8002G>A, p.Gly2668Ser (NM_001406716.1); short protein forms G2668S.
Identifiers: ClinVar variation 3386749 (VCV003386749.1).